The following is an entry in ClinVar:

NM_000489.6(ATRX):c.167T>A (p.Met56Lys)

Gene: ATRX (ATRX chromatin remodeler; minus strand). Cytogenetic location: Xq21.1.
Variant type: single nucleotide variant.
Coding change: c.167T>A on transcript NM_000489.6 (MANE Select); coding-DNA position 167, T replaced by A.
Protein change: p.Met56Lys; replaces methionine 56 with lysine.
Molecular consequence: missense variant.
Genome position (GRCh38, 1-based): chrX:77,698,596, A>T on the plus strand (T>A on the coding strand, the complement: ATRX is on the minus strand). VCF-style: chrX-77698596-A-T. GRCh37 (hg19) VCF-style: chrX-76954084-A-T.
Other names: c.167T>A, p.Met56Lys (NM_138270.5); short protein forms M56K.
Identifiers: ClinVar variation 575515 (VCV000575515.9), dbSNP rs782553856, ClinGen allele CA413724417.
Genomic context (GRCh38, chrX:77,698,596, plus strand): 5'-ATCGTAACTAACAAATATCTCTAAATAATTATCCTTACCTCTTCCTTGCTGTTTTCCATC[A>T]TATCAGAGTTACTTCCAGAACCACTGATTTTATCTAAAAAAGAAGAAATAAAGAACATTA-3'
Protein context (NP_000480.3, residues 46-66): KISGSGSNSD[Met56Lys]MENSKEEGTS

ClinVar aggregate classification (germline): Uncertain significance (1 of 4 stars; one submission).

Conditions:
Alpha thalassemia-X-linked intellectual disability syndrome (ATRX). Also called: ALPHA-THALASSEMIA/MENTAL RETARDATION SYNDROME, X-LINKED; ATR, NONDELETION TYPE; ALPHA-THALASSEMIA/IMPAIRED INTELLECTUAL DEVELOPMENT SYNDROME, X-LINKED; X-linked alpha-thalassemia-mental retardation syndrome; ATR-X syndrome; Alpha thalassemia mental retardation syndrome, nondeletion type, X-linked. Identifiers: Orphanet 847, MedGen C1845055, MONDO:0010519, OMIM 301040.

Submission:

Labcorp Genetics (formerly Invitae), Labcorp
Classification: Uncertain significance for Alpha thalassemia-X-linked intellectual disability syndrome. Last evaluated: 2025-12-19. Review status: criteria provided, single submitter. Criteria: Invitae Variant Classification Sherloc (09022015). Collection method: clinical testing. Allele origin: germline.
Comment: This sequence change replaces methionine, which is neutral and non-polar, with lysine, which is basic and polar, at codon 56 of the ATRX protein (p.Met56Lys). This variant is not present in population databases (gnomAD no frequency). This variant has not been reported in the literature in individuals affected with ATRX-related conditions. ClinVar contains an entry for this variant (Variation ID: 575515). Invitae Evidence Modeling of protein sequence and biophysical properties (such as structural, functional, and spatial information, amino acid conservation, physicochemical variation, residue mobility, and thermodynamic stability) indicates that this missense variant is not expected to disrupt ATRX protein function with a negative predictive value of 95%. In summary, the available evidence is currently insufficient to determine the role of this variant in disease. Therefore, it has been classified as a Variant of Uncertain Significance.